The following is an entry in ClinVar:

ClinVar aggregate classification (germline): Uncertain significance (1 of 4 stars; one submission).

Conditions:
Dilated cardiomyopathy 1JJ (CMD1JJ). Identifiers: Orphanet 154, MedGen C3808935, MONDO:0014095, OMIM 615235.

gnomAD v4.1: 1 of 1,614,020 alleles (0.000062%); highest among the groups gnomAD compares: Admixed American, 0.0017%; no homozygotes.

Submission:

Labcorp Genetics (formerly Invitae), Labcorp
Classification: Uncertain significance for Dilated cardiomyopathy 1JJ. Last evaluated: 2022-07-17. Review status: criteria provided, single submitter. Criteria: Invitae Variant Classification Sherloc (09022015). Collection method: clinical testing. Allele origin: germline.
Comment: In summary, the available evidence is currently insufficient to determine the role of this variant in disease. Therefore, it has been classified as a Variant of Uncertain Significance. Algorithms developed to predict the effect of missense changes on protein structure and function are either unavailable or do not agree on the potential impact of this missense change (SIFT: "Tolerated"; PolyPhen-2: "Possibly Damaging"; Align-GVGD: "Class C0"). This variant has not been reported in the literature in individuals affected with LAMA4-related conditions. This variant is not present in population databases (gnomAD no frequency). This sequence change replaces proline, which is neutral and non-polar, with arginine, which is basic and polar, at codon 860 of the LAMA4 protein (p.Pro860Arg).

NM_001105206.3(LAMA4):c.2600C>G (p.Pro867Arg)

Gene: LAMA4 (laminin subunit alpha 4; minus strand). Cytogenetic location: 6q21.
Variant type: single nucleotide variant.
Coding change: c.2600C>G on transcript NM_001105206.3 (MANE Select); coding-DNA position 2600, C replaced by G.
Protein change: p.Pro867Arg; replaces proline 867 with arginine.
Molecular consequence: missense variant.
Genome position (GRCh38, 1-based): chr6:112,142,186, G>C on the plus strand (C>G on the coding strand, the complement: LAMA4 is on the minus strand). VCF-style: chr6-112142186-G-C. GRCh37 (hg19) VCF-style: chr6-112463388-G-C.
Other names: c.2579C>G, p.Pro860Arg (NM_001105207.3, NM_002290.5); short protein forms P860R, P867R.
Identifiers: ClinVar variation 2150620 (VCV002150620.4), dbSNP rs1309469746, ClinGen allele CA365381766.